The following is an entry in ClinVar:

ClinVar aggregate classification (germline): Uncertain significance (1 of 4 stars; one submission).

Conditions:
Gastrointestinal stromal tumor. Also called: Gastrointestinal stroma tumor; Gastrointestinal stromal tumor, somatic. Identifiers: Orphanet 44890, MedGen C0238198, MeSH D046152, MONDO:0011719, OMIM 606764, HP:0100723.

Submission:

Labcorp Genetics (formerly Invitae), Labcorp
Classification: Uncertain significance for Gastrointestinal stromal tumor. Last evaluated: 2021-10-12. Review status: criteria provided, single submitter. Criteria: Invitae Variant Classification Sherloc (09022015). Collection method: clinical testing. Allele origin: germline.
Comment: In summary, the available evidence is currently insufficient to determine the role of this variant in disease. Therefore, it has been classified as a Variant of Uncertain Significance. Algorithms developed to predict the effect of sequence changes on RNA splicing suggest that this variant may disrupt the consensus splice site. This variant has not been reported in the literature in individuals affected with PDGFRA-related conditions. This variant is not present in population databases (ExAC no frequency). This sequence change falls in intron 21 of the PDGFRA gene. It does not directly change the encoded amino acid sequence of the PDGFRA protein.

NM_006206.6(PDGFRA):c.2881-10A>G

Gene: PDGFRA (platelet derived growth factor receptor alpha; plus strand). Cytogenetic location: 4q12.
Variant type: single nucleotide variant.
Coding change: c.2881-10A>G on transcript NM_006206.6 (MANE Select); 10 bases into the intron before coding-DNA position 2881, A replaced by G.
Molecular consequence: intron variant.
Genome position (GRCh38, 1-based): chr4:54,290,303, A>G. VCF-style: chr4-54290303-A-G. GRCh37 (hg19) VCF-style: chr4-55156470-A-G.
Other names: c.2956-10A>G (NM_001347828.2); c.2881-10A>G (NM_001347829.2); c.2920-10A>G (NM_001347830.2).
Identifiers: ClinVar variation 1439760 (VCV001439760.6), dbSNP rs781711990, ClinGen allele CA2573137791.